The following is an entry in ClinVar:

ClinVar aggregate classification (germline): Uncertain significance. Review status: criteria provided, multiple submitters, no conflicts (2 of 4 stars). 3 submissions from 3 submitters: Uncertain significance (3). Last evaluated 2025-03-04.

Conditions:
Inborn genetic diseases. Identifiers: MedGen C0950123, MeSH D030342.

Submissions (3):

Women's Health and Genetics/Laboratory Corporation of America, LabCorp
Classification: Uncertain significance. Last evaluated: 2025-03-04. Review status: criteria provided, single submitter. Criteria: LabCorp Variant Classification Summary - May 2015. Collection method: clinical testing. Allele origin: germline.
Comment: Variant summary: HSPB1 c.400A>C (p.Ile134Leu) results in a conservative amino acid change in the encoded protein sequence. Four of five in-silico tools predict a damaging effect of the variant on protein function. The variant was absent in 249202 control chromosomes. The available data on variant occurrences in the general population are insufficient to allow any conclusion about variant significance. To our knowledge, no occurrence of c.400A>C in individuals affected with Charcot-Marie-Tooth disease axonal type 2F and no experimental evidence demonstrating its impact on protein function have been reported. ClinVar contains an entry for this variant (Variation ID: 1191626). Based on the evidence outlined above, the variant was classified as uncertain significance.

Ambry Genetics
Classification: Uncertain significance for Inborn genetic diseases. Last evaluated: 2021-04-27. Review status: criteria provided, single submitter. Criteria: Ambry Variant Classification Scheme 2023. Collection method: clinical testing. Allele origin: germline.
Comment: The p.I134L variant (also known as c.400A>C), located in coding exon 2 of the HSPB1 gene, results from an A to C substitution at nucleotide position 400. The isoleucine at codon 134 is replaced by leucine, an amino acid with highly similar properties. This amino acid position is well conserved in available vertebrate species. In addition, the in silico prediction for this alteration is inconclusive. Since supporting evidence is limited at this time, the clinical significance of this alteration remains unclear.

GeneDx
Classification: Uncertain significance. Last evaluated: 2020-12-21. Review status: criteria provided, single submitter. Criteria: GeneDx Variant Classification Process June 2021. Collection method: clinical testing. Allele origin: germline. Affected: yes.
Comment: Not observed in large population cohorts (Lek et al., 2016); In silico analysis, which includes protein predictors and evolutionary conservation, supports that this variant does not alter protein structure/function; Missense variants in nearby residues reported in the Human Gene Mutation Database (Stenson et al., 2014); Has not been previously published as pathogenic or benign to our knowledge

NM_001540.5(HSPB1):c.400A>C (p.Ile134Leu)

Gene: HSPB1 (heat shock protein family B (small) member 1; plus strand). Cytogenetic location: 7q11.23.
Variant type: single nucleotide variant.
Coding change: c.400A>C on transcript NM_001540.5 (MANE Select); coding-DNA position 400, A replaced by C.
Protein change: p.Ile134Leu; replaces isoleucine 134 with leucine.
Molecular consequence: missense variant.
Genome position (GRCh38, 1-based): chr7:76,303,837, A>C. VCF-style: chr7-76303837-A-C. GRCh37 (hg19) VCF-style: chr7-75933154-A-C.
Other names: short protein forms I134L.
Identifiers: ClinVar variation 1191626 (VCV001191626.5), dbSNP rs2117161234, ClinGen allele CA367765453.